The following is an entry in ClinVar:

NM_001130053.5(EEF1D):c.1645G>T (p.Ala549Ser)

Gene: EEF1D (eukaryotic translation elongation factor 1 delta; minus strand). Cytogenetic location: 8q24.3.
Variant type: single nucleotide variant.
Coding change: c.1645G>T on transcript NM_001130053.5 (MANE Select); coding-DNA position 1645, G replaced by T.
Protein change: p.Ala549Ser; replaces alanine 549 with serine.
Molecular consequence: missense variant.
Genome position (GRCh38, 1-based): chr8:143,580,571, C>A on the plus strand (G>T on the coding strand, the complement: EEF1D is on the minus strand). VCF-style: chr8-143580571-C-A. GRCh37 (hg19) VCF-style: chr8-144662741-C-A.
Other names: c.547G>T, p.Ala183Ser (NM_001130055.4, NM_001130057.4, NM_001289950.4 and 1 more transcripts); c.475G>T, p.Ala159Ser (NM_001130056.5, NM_001317743.4, NM_001330646.3); c.490G>T, p.Ala164Ser (NM_001195203.4); c.1645G>T, p.Ala549Ser (NM_032378.7); short protein forms A159S, A164S, A183S, A549S.
Identifiers: ClinVar variation 3049853 (VCV003049853.2), dbSNP rs142439099, ClinGen allele CA4913430.

ClinVar aggregate classification (germline): Likely benign (0 of 4 stars; one submission).

Conditions:
EEF1D-related disorder. Also called: EEF1D-related condition.

Allele frequency attached by ClinVar (database versions not stated): 1000 Genomes Project 30x 0.00062; 1000 Genomes Project 0.00080; ESP Exome Variant Server 0.00161.
gnomAD v4.1: 269 of 1,613,390 alleles (0.017%); highest among the groups gnomAD compares: African/African-American, 0.32%; no homozygotes.

Submission:

PreventionGenetics, part of Exact Sciences
Classification: Likely benign for EEF1D-related condition. Last evaluated: 2022-11-21. Review status: no assertion criteria provided. Collection method: clinical testing. Allele origin: germline.
Comment: This variant is classified as likely benign based on ACMG/AMP sequence variant interpretation guidelines (Richards et al. 2015 PMID: 25741868, with internal and published modifications).